The following is an entry in ClinVar:

NM_032043.3(BRIP1):c.2777C>T (p.Ala926Val)

Gene: BRIP1 (BRCA1 interacting DNA helicase 1; minus strand). Cytogenetic location: 17q23.2.
Variant type: single nucleotide variant.
Coding change: c.2777C>T on transcript NM_032043.3 (MANE Select); coding-DNA position 2777, C replaced by T.
Protein change: p.Ala926Val; replaces alanine 926 with valine.
Molecular consequence: missense variant.
Genome position (GRCh38, 1-based): chr17:61,685,964, G>A on the plus strand (C>T on the coding strand, the complement: BRIP1 is on the minus strand). VCF-style: chr17-61685964-G-A. GRCh37 (hg19) VCF-style: chr17-59763325-G-A.
Other names: short protein forms A926V.
Identifiers: ClinVar variation 491456 (VCV000491456.22), dbSNP rs1483709056, ClinGen allele CA400481553.

ClinVar aggregate classification (germline): Uncertain significance. Review status: criteria provided, multiple submitters, no conflicts (2 of 4 stars). 4 submissions from 4 submitters: Uncertain significance (4). Last evaluated 2025-12-22.

Conditions:
Familial cancer of breast. Also called: Hereditary breast cancer; BREAST CANCER, FAMILIAL; hereditary breast carcinoma. Identifiers: Orphanet 227535, MedGen C0346153, MONDO:0016419, OMIM 114480. Disease mechanism: loss of function.
Fanconi anemia complementation group J. Also called: BRIP1-Related Fanconi Anemia. Identifiers: Orphanet 84, MedGen C1836860, MONDO:0012187, OMIM 609054.
Hereditary cancer-predisposing syndrome. Also called: Tumor predisposition; Hereditary Cancer Syndrome; Neoplastic Syndromes, Hereditary; Hereditary neoplastic syndrome. Identifiers: Orphanet 140162, MedGen C0027672, MeSH D009386, MONDO:0015356.

Allele frequency attached by ClinVar (database versions not stated): TOPMed below 0.00001; gnomAD exomes 0.00001.
gnomAD v4.1: 4 of 1,613,986 alleles (0.00025%); highest among the groups gnomAD compares: Admixed American, 0.005%; no homozygotes.

Submissions (4):

Ambry Genetics
Classification: Uncertain significance for Hereditary cancer-predisposing syndrome. Last evaluated: 2025-12-22. Review status: criteria provided, single submitter. Criteria: Ambry Variant Classification Scheme 2023. Collection method: clinical testing. Allele origin: germline.
Comment: The p.A926V variant (also known as c.2777C>T), located in coding exon 18 of the BRIP1 gene, results from a C to T substitution at nucleotide position 2777. The alanine at codon 926 is replaced by valine, an amino acid with similar properties. This nucleotide position is not well conserved in available vertebrate species. In silico splice site analysis predicts that this alteration will result in the creation or strengthening of a novel splice donor site. RNA studies have demonstrated that this alteration results in a transcript predicted to escape nonsense-mediated mRNA decay. It only impacts the C-terminus of the protein, and the clinical impact of this abnormal splicing is unknown at this time (Ambry internal data). In addition, as a missense substitution this is predicted to be tolerated by in silico analysis. Based on the available evidence, the clinical significance of this variant remains unclear.

Labcorp Genetics (formerly Invitae), Labcorp
Classification: Uncertain significance for Familial cancer of breast; Fanconi anemia complementation group J. Last evaluated: 2025-07-23. Review status: criteria provided, single submitter. Criteria: Invitae Variant Classification Sherloc (09022015). Collection method: clinical testing. Allele origin: germline.
Comment: This sequence change replaces alanine, which is neutral and non-polar, with valine, which is neutral and non-polar, at codon 926 of the BRIP1 protein (p.Ala926Val). RNA analysis indicates that this missense change induces altered splicing and likely disrupts the C-terminus of the protein. This variant is present in population databases (no rsID available, gnomAD 0.006%). This variant has not been reported in the literature in individuals affected with BRIP1-related conditions. ClinVar contains an entry for this variant (Variation ID: 491456). Invitae Evidence Modeling of protein sequence and biophysical properties (such as structural, functional, and spatial information, amino acid conservation, physicochemical variation, residue mobility, and thermodynamic stability) indicates that this missense variant is not expected to disrupt BRIP1 protein function with a negative predictive value of 95%. Studies have shown that this missense change results in skipping of part of exon 19 and introduces a new termination codon (internal data). However the mRNA is not expected to undergo nonsense-mediated decay. In summary, the available evidence is currently insufficient to determine the role of this variant in disease. Therefore, it has been classified as a Variant of Uncertain Significance.

Women's Health and Genetics/Laboratory Corporation of America, LabCorp
Classification: Uncertain significance. Last evaluated: 2025-06-10. Review status: criteria provided, single submitter. Criteria: LabCorp Variant Classification Summary - May 2015. Collection method: clinical testing. Allele origin: germline.
Comment: Variant summary: BRIP1 c.2777C>T (p.Ala926Val) results in a non-conservative amino acid change in the encoded protein sequence. Algorithms developed to predict the effect of missense changes on protein structure and function are either unavailable or do not agree on the potential impact of this missense change. The variant allele was found at a frequency of 1.2e-05 in 251384 control chromosomes. The available data on variant occurrences in the general population are insufficient to allow any conclusion about variant significance. To our knowledge, no occurrence of c.2777C>T in individuals affected with Breast Cancer and no experimental evidence demonstrating its impact on protein function have been reported. ClinVar contains an entry for this variant (Variation ID: 491456). Based on the evidence outlined above, the variant was classified as uncertain significance.

Color Diagnostics, LLC DBA Color Health
Classification: Uncertain significance for Hereditary cancer-predisposing syndrome. Last evaluated: 2024-03-06. Review status: criteria provided, single submitter. Criteria: ACMG Guidelines, 2015. Collection method: clinical testing. Allele origin: germline.
Comment: This missense variant replaces alanine with valine at codon 926 of the BRIP1 protein. Computational prediction suggests that this variant may not impact protein structure and function (internally defined REVEL score threshold <= 0.5, PMID: 27666373). To our knowledge, functional studies have not been reported for this variant. This variant has not been reported in individuals affected with hereditary cancer in the literature. This variant has been identified in 3/251384 chromosomes in the general population by the Genome Aggregation Database (gnomAD). The available evidence is insufficient to determine the role of this variant in disease conclusively. Therefore, this variant is classified as a Variant of Uncertain Significance.